The following is an entry in ClinVar:

NM_001134831.2(AHI1):c.1787G>A (p.Arg596His)

Gene: AHI1 (Abelson helper integration site 1; minus strand). Cytogenetic location: 6q23.3.
Variant type: single nucleotide variant.
Coding change: c.1787G>A on transcript NM_001134831.2 (MANE Select); coding-DNA position 1787, G replaced by A.
Protein change: p.Arg596His; replaces arginine 596 with histidine.
Molecular consequence: missense variant.
Genome position (GRCh38, 1-based): chr6:135,442,707, C>T on the plus strand (G>A on the coding strand, the complement: AHI1 is on the minus strand). VCF-style: chr6-135442707-C-T. GRCh37 (hg19) VCF-style: chr6-135763845-C-T.
Other names: c.1787G>A, p.Arg596His (NM_001134830.2, NM_001134832.2, NM_001350503.2 and 2 more transcripts); short protein forms R596H.
Identifiers: ClinVar variation 1473041 (VCV001473041.7), dbSNP rs373384543, ClinGen allele CA4012506.

ClinVar aggregate classification (germline): Uncertain significance (1 of 4 stars; one submission).

Conditions:
Joubert syndrome. Also called: CEREBELLOPARENCHYMAL DISORDER IV; JOUBERT-BOLTSHAUSER SYNDROME; Familial aplasia of the vermis. Identifiers: Orphanet 475, MedGen C5979921, MONDO:0018772.

Allele frequency attached by ClinVar (database versions not stated): gnomAD 0.00001; gnomAD exomes 0.00001; ExAC 0.00002; TOPMed 0.00002; ESP Exome Variant Server 0.00008.

Submission:

Labcorp Genetics (formerly Invitae), Labcorp
Classification: Uncertain significance for Joubert syndrome. Last evaluated: 2025-10-02. Review status: criteria provided, single submitter. Criteria: Invitae Variant Classification Sherloc (09022015). Collection method: clinical testing. Allele origin: germline.
Comment: This sequence change replaces arginine, which is basic and polar, with histidine, which is basic and polar, at codon 596 of the AHI1 protein (p.Arg596His). The frequency data for this variant in the population databases is considered unreliable, as metrics indicate poor data quality at this position in the gnomAD database. This variant has not been reported in the literature in individuals affected with AHI1-related conditions. ClinVar contains an entry for this variant (Variation ID: 1473041). An algorithm developed to predict the effect of missense changes on protein structure and function outputs the following: PolyPhen-2: "Probably Damaging". The histidine amino acid residue is found in multiple mammalian species, which suggests that this missense change does not adversely affect protein function. In summary, the available evidence is currently insufficient to determine the role of this variant in disease. Therefore, it has been classified as a Variant of Uncertain Significance.